The following is an entry in ClinVar:

ClinVar aggregate classification (germline): Likely benign. Review status: criteria provided, multiple submitters, no conflicts (2 of 4 stars). 3 submissions from 3 submitters: Likely benign (3). Last evaluated 2026-01-12.

Conditions:
MERTK-related disorder. Also called: MERTK-related condition.

Allele frequency attached by ClinVar (database versions not stated): gnomAD exomes 0.00001; ExAC 0.00003; gnomAD 0.00003.
gnomAD v4.1: 25 of 1,572,136 alleles (0.0016%); highest among the groups gnomAD compares: South Asian, 0.027%; no homozygotes.

Submissions (3):

Labcorp Genetics (formerly Invitae), Labcorp
Classification: Likely benign. Last evaluated: 2026-01-12. Review status: criteria provided, single submitter. Criteria: Invitae Variant Classification Sherloc (09022015). Collection method: clinical testing. Allele origin: germline.

PreventionGenetics, part of Exact Sciences
Classification: Likely benign for MERTK-related condition. Last evaluated: 2025-06-09. Review status: criteria provided, single submitter. Criteria: ACMG Guidelines, 2015. Collection method: clinical testing. Allele origin: germline.
Comment: This variant is classified as likely benign based on ACMG/AMP sequence variant interpretation guidelines (Richards et al. 2015 PMID: 25741868, with internal and published modifications).

Blueprint Genetics
Classification: Likely benign. Last evaluated: 2022-12-08. Review status: criteria provided, single submitter. Criteria: ACMG Guidelines, 2015. Collection method: clinical testing. Allele origin: germline.

NM_006343.3(MERTK):c.2079+8T>A

Gene: MERTK (MER proto-oncogene, tyrosine kinase; plus strand). Cytogenetic location: 2q13.
Variant type: single nucleotide variant.
Coding change: c.2079+8T>A on transcript NM_006343.3 (MANE Select); 8 bases into the intron after coding-DNA position 2079, T replaced by A.
Molecular consequence: intron variant.
Genome position (GRCh38, 1-based): chr2:112,010,074, T>A. VCF-style: chr2-112010074-T-A. GRCh37 (hg19) VCF-style: chr2-112767651-T-A.
Other names: c.2079+8T>A (NM_006343.2).
Identifiers: ClinVar variation 1918217 (VCV001918217.7), dbSNP rs762102995, ClinGen allele CA1831657.